The following is an entry in ClinVar:

NM_000540.3(RYR1):c.10756G>A (p.Ala3586Thr)

Gene: RYR1 (ryanodine receptor 1; plus strand). Cytogenetic location: 19q13.2.
Variant type: single nucleotide variant.
Coding change: c.10756G>A on transcript NM_000540.3 (MANE Select); coding-DNA position 10756, G replaced by A.
Protein change: p.Ala3586Thr; replaces alanine 3586 with threonine.
Molecular consequence: missense variant.
Genome position (GRCh38, 1-based): chr19:38,527,716, G>A. VCF-style: chr19-38527716-G-A. GRCh37 (hg19) VCF-style: chr19-39018356-G-A.
Other names: c.10741G>A, p.Ala3581Thr (NM_001042723.2); short protein forms A3586T, A3581T.
Identifiers: ClinVar variation 1946627 (VCV001946627.6), dbSNP rs1971531803, ClinGen allele CA405646884.
Genomic context (GRCh38, chr19:38,527,716, plus strand): 5'-TCCCCGTCTCTGCGCTGGCAGATGGCTCTGTACCGGGGCGTCCCGGGTCGCGAGGAGGAC[G>A]CCGATGACCCCGAGAAAATCGTGCGCAGAGTCCAGGAAGTGTCAGCCGTGCTCTACTACC-3'
Protein context (NP_000531.2, residues 3576-3596): YRGVPGREED[Ala3586Thr]DDPEKIVRRV

ClinVar aggregate classification (germline): Uncertain significance. Review status: criteria provided, multiple submitters, no conflicts (2 of 4 stars). 2 submissions from 2 submitters: Uncertain significance (2). Last evaluated 2023-08-15.

Conditions:
RYR1-related disorder. Also called: RYR1-related condition; RYR1-related disorders. Identifiers: MedGen CN239331.
Malignant hyperthermia, susceptibility to, 1 (MHS1). Also called: Malignant hyperthermia suceptibility 1; Anesthesia related hyperthermia; Malignant hyperpyrexia; Fulminating hyperpyrexia; Pharmacogenic myopathy; RYR1-Related Malignant Hyperthermia Susceptibility. Identifiers: Orphanet 423, MedGen C2930980, MONDO:0007783, OMIM 145600.

Allele frequency attached by ClinVar (database versions not stated): gnomAD exomes below 0.00001; TOPMed 0.00001.
gnomAD v4.1: 2 of 1,614,110 alleles (0.00012%); highest among the groups gnomAD compares: Non-Finnish European, 0.00017%; no homozygotes.

Submissions (2):

All of Us Research Program, National Institutes of Health
Classification: Uncertain significance for Malignant hyperthermia, susceptibility to, 1. Last evaluated: 2023-08-15. Review status: criteria provided, single submitter. Criteria: ACMG Guidelines, 2015. Collection method: clinical testing. Allele origin: germline. Inheritance: Autosomal dominant inheritance. Observed: 1 variant allele, 1 heterozygote.
Comment: This study involves interpretation of variants in research participants for the purpose of population health screening. Participant phenotype was not available at the time of variant classification. Additional details can be found in publication PMID: 35346344, PMCID: PMC8962531

Labcorp Genetics (formerly Invitae), Labcorp
Classification: Uncertain significance for RYR1-related disorder. Last evaluated: 2022-11-09. Review status: criteria provided, single submitter. Criteria: Invitae Variant Classification Sherloc (09022015). Collection method: clinical testing. Allele origin: germline.
Comment: This sequence change replaces alanine, which is neutral and non-polar, with threonine, which is neutral and polar, at codon 3586 of the RYR1 protein (p.Ala3586Thr). This variant is not present in population databases (gnomAD no frequency). This variant has not been reported in the literature in individuals affected with RYR1-related conditions. Advanced modeling of protein sequence and biophysical properties (such as structural, functional, and spatial information, amino acid conservation, physicochemical variation, residue mobility, and thermodynamic stability) performed at Invitae indicates that this missense variant is not expected to disrupt RYR1 protein function. In summary, the available evidence is currently insufficient to determine the role of this variant in disease. Therefore, it has been classified as a Variant of Uncertain Significance.